The following is an entry in ClinVar:

ClinVar aggregate classification (germline): Uncertain significance (1 of 4 stars; one submission).

gnomAD v4.1: 4 of 1,611,822 alleles (0.00025%); highest among the groups gnomAD compares: Admixed American, 0.0017%; no homozygotes.

Submission:

OLLIN Analises Genomicas, OLLIN
Classification: Uncertain significance. Last evaluated: 2026-08-06. Review status: criteria provided, single submitter. Criteria: ACMG Guidelines 2015 PMID 25741868. Collection method: clinical testing. Allele origin: germline.
Comment: This missense variant, located in exon 19 (of 36), has been observed in gnomAD with an allele frequency of 0.00025%, but has not been reported in ClinVar or identified in the literature. In silico analysis is inconclusive regarding the impact of this variant. According to the currently available evidence, this variant has been classified as uncertain significance (PM2_P).

NM_019024.3(HEATR5B):c.2855A>G (p.Gln952Arg)

Gene: HEATR5B (HEAT repeat containing 5B; minus strand). Cytogenetic location: 2p22.2.
Variant type: single nucleotide variant.
Coding change: c.2855A>G on transcript NM_019024.3 (MANE Select); coding-DNA position 2855, A replaced by G.
Protein change: p.Gln952Arg; replaces glutamine 952 with arginine.
Molecular consequence: missense variant.
Genome position (GRCh38, 1-based): chr2:37,041,134, T>C on the plus strand (A>G on the coding strand, the complement: HEATR5B is on the minus strand). VCF-style: chr2-37041134-T-C. GRCh37 (hg19) VCF-style: chr2-37268277-T-C.
Other names: short protein forms Q952R.
Identifiers: ClinVar variation 5002755 (VCV005002755.1).